The following is an entry in ClinVar:

NM_001429.4(EP300):c.3893T>G (p.Leu1298Arg)

Gene: EP300 (EP300 lysine acetyltransferase; plus strand). Cytogenetic location: 22q13.2.
Variant type: single nucleotide variant.
Coding change: c.3893T>G on transcript NM_001429.4 (MANE Select); coding-DNA position 3893, T replaced by G.
Protein change: p.Leu1298Arg; replaces leucine 1298 with arginine.
Molecular consequence: missense variant.
Genome position (GRCh38, 1-based): chr22:41,168,467, T>G. VCF-style: chr22-41168467-T-G. GRCh37 (hg19) VCF-style: chr22-41564471-T-G.
Other names: c.3815T>G, p.Leu1272Arg (NM_001362843.2); short protein forms L1272R, L1298R.
Identifiers: ClinVar variation 1701709 (VCV001701709.1), dbSNP rs2145762737, ClinGen allele CA411699155.

ClinVar aggregate classification (germline): Uncertain significance (1 of 4 stars; one submission).

Conditions:
Rubinstein-Taybi syndrome due to EP300 haploinsufficiency. Also called: EP300-Related Rubinstein-Taybi Syndrome; RUBINSTEIN-TAYBI SYNDROME 2. Identifiers: Orphanet 353284, Orphanet 783, MedGen C3150941, MONDO:0013364, OMIM 613684.

Submission:

New York Genome Center
Classification: Uncertain significance for Rubinstein-Taybi syndrome due to EP300 haploinsufficiency. Last evaluated: 2022-02-25. Review status: criteria provided, single submitter. Criteria: NYGC Assertion Criteria 2020. Collection method: clinical testing. Allele origin: inherited. Observed: 1 heterozygote. Study: CSER-NYCKidSeq.
Comment: The inherited heterozygous c.3893T>G(p.Leu1298Arg) missense variant identified in exon 24 (of 31) of the EP300 gene has not been reported in affected individuals in the literature or public variant repositories (ClinVar and LOVD). This variant is absent from population databases (gnomAD v2.1.1 and v3.1.2), suggesting it is not a common benign variant in the populations represented in those databases. The variant affects a conserved residue (Leu1298) located in the histone acetyl-transferase(HAT) domain of the protein (PMID: 27648933). This variant is predicted to be deleterious by multiple in silico prediction tools (CADD score = 34, REVEL score = 0.913). Furthermore, EP300 variants inherited from an unaffected/mildly affected parent have been previously reported in association with RSTS2 (PMID: 27964710; PMID: 26788536). In the absence of functional studies, the heterozygous c.3893 T>G(p.Leu1298Arg) missense variant identified in the EP300 gene is reported as a Variant of Uncertain Significance.